The following is an entry in ClinVar:

NM_001379110.1(SLC9A6):c.-57+32C>T

Genes: SLC9A6 (solute carrier family 9 member A6; plus strand), LOC130068746 (ATAC-STARR-seq lymphoblastoid silent region 21025; plus strand). Cytogenetic location: Xq26.3.
Variant type: single nucleotide variant.
Coding change: c.-57+32C>T on transcript NM_001379110.1 (MANE Select); 32 bases into the intron after 57 bases upstream of the start codon, C replaced by T.
Molecular consequence: intron variant. On other transcripts: missense variant (2).
Genome position (GRCh38, 1-based): chrX:135,985,509, C>T. VCF-style: chrX-135985509-C-T. GRCh37 (hg19) VCF-style: chrX-135067668-C-T.
Other names: c.7C>T, p.Arg3Trp (NM_001042537.2, NM_006359.3); c.-57+32C>T (NM_001177651.2); c.-57+37C>T (NM_001330652.2); short protein forms R3W.
Identifiers: ClinVar variation 657261 (VCV000657261.12), dbSNP rs1556614701, ClinGen allele CA414606333.

ClinVar aggregate classification (germline): Conflicting classifications of pathogenicity. Review status: criteria provided, conflicting classifications (1 of 4 stars). 3 submissions from 3 submitters: Uncertain significance (2); Likely benign (1). Last evaluated 2025-10-01.

Conditions:
Christianson syndrome (MRXSCH). Also called: INTELLECTUAL DEVELOPMENTAL DISORDER, X-LINKED, SYNDROMIC, CHRISTIANSON TYPE; X-linked mental retardation, syndromic, Christianson type; SLC9A6-Related Syndromic Mental Retardation. Identifiers: Orphanet 85278, MedGen C2678194, MONDO:0010278, OMIM 300243.
SLC9A6-related disorder. Also called: SLC9A6-related condition.

gnomAD v4.1: 3 of 1,104,778 alleles (0.00027%); highest among the groups gnomAD compares: Non-Finnish European, 0.00035%; no homozygotes.

Submissions (3):

PreventionGenetics, part of Exact Sciences
Classification: Uncertain significance for SLC9A6-related condition. Last evaluated: 2025-10-01. Review status: criteria provided, single submitter. Criteria: ACMG Guidelines, 2015. Collection method: clinical testing. Allele origin: germline.
Comment: The SLC9A6 c.7C>T variant is predicted to result in the amino acid substitution p.Arg3Trp. To our knowledge, this variant has not been reported in the literature or in a large population database (gnomAD), indicating this variant is rare. At this time, the clinical significance of this variant is uncertain due to the absence of conclusive functional and genetic evidence.

Labcorp Genetics (formerly Invitae), Labcorp
Classification: Uncertain significance for Christianson syndrome. Last evaluated: 2024-09-18. Review status: criteria provided, single submitter. Criteria: Invitae Variant Classification Sherloc (09022015). Collection method: clinical testing. Allele origin: germline.
Comment: This sequence change replaces arginine, which is basic and polar, with tryptophan, which is neutral and slightly polar, at codon 3 of the SLC9A6 protein (p.Arg3Trp). This variant is not present in population databases (gnomAD no frequency). This missense change has been observed in individual(s) with epilepsy (internal data). It has also been observed to segregate with disease in related individuals. ClinVar contains an entry for this variant (Variation ID: 657261). Experimental studies and prediction algorithms are not available or were not evaluated, and the functional significance of this variant is currently unknown. In summary, the available evidence is currently insufficient to determine the role of this variant in disease. Therefore, it has been classified as a Variant of Uncertain Significance.

Blueprint Genetics
Classification: Likely benign. Last evaluated: 2023-01-12. Review status: criteria provided, single submitter. Criteria: ACMG Guidelines, 2015. Collection method: clinical testing. Allele origin: germline.